The following is an entry in ClinVar:

NM_002184.4(IL6ST):c.972T>C (p.Asp324=)

Gene: IL6ST (interleukin 6 cytokine family signal transducer; minus strand). Cytogenetic location: 5q11.2.
Variant type: single nucleotide variant.
Coding change: c.972T>C on transcript NM_002184.4 (MANE Select); coding-DNA position 972, T replaced by C.
Protein change: p.Asp324=; no amino-acid change (aspartic acid 324 retained).
Molecular consequence: synonymous variant. On other transcripts: missense variant (2), non-coding transcript variant (2).
Genome position (GRCh38, 1-based): chr5:55,960,403, A>G on the plus strand (T>C on the coding strand, the complement: IL6ST is on the minus strand). VCF-style: chr5-55960403-A-G. GRCh37 (hg19) VCF-style: chr5-55256231-A-G.
Other names: c.972T>C, p.Asp324= (NM_001190981.2, NM_001364275.2, NM_175767.3); c.762T>C, p.Asp254= (NM_001364276.2); c.59T>C, p.Ile20Thr (NM_001364277.2, NM_001364279.2); c.69T>C, p.Asp23= (NM_001364278.2); short protein forms I20T.
Identifiers: ClinVar variation 2002285 (VCV002002285.4), dbSNP rs1337987997, ClinGen allele CA444208852.

ClinVar aggregate classification (germline): Uncertain significance (1 of 4 stars; one submission).

Allele frequency attached by ClinVar (database versions not stated): TOPMed below 0.00001; gnomAD 0.00001.
gnomAD v4.1: 1 of 1,611,382 alleles (0.000062%); highest among the groups gnomAD compares: East Asian, 0.0022%; no homozygotes.

Submission:

Labcorp Genetics (formerly Invitae), Labcorp
Classification: Uncertain significance. Last evaluated: 2022-06-03. Review status: criteria provided, single submitter. Criteria: Invitae Variant Classification Sherloc (09022015). Collection method: clinical testing. Allele origin: germline.
Comment: In summary, the available evidence is currently insufficient to determine the role of this variant in disease. Therefore, it has been classified as a Variant of Uncertain Significance. This sequence change affects codon 324 of the IL6ST mRNA. It is a 'silent' change, meaning that it does not change the encoded amino acid sequence of the IL6ST protein. It affects a nucleotide within the consensus splice site. This variant is not present in population databases (gnomAD no frequency). This variant has not been reported in the literature in individuals affected with IL6ST-related conditions. Algorithms developed to predict the effect of sequence changes on RNA splicing suggest that this variant is not likely to affect RNA splicing.